The following is an entry in ClinVar:

NM_130384.3(ATRIP):c.802G>A (p.Gly268Arg)

Genes: ATRIP (ATR interacting protein; plus strand), ATRIP-TREX1 (ATRIP-TREX1 readthrough; plus strand). Cytogenetic location: 3p21.31.
Variant type: single nucleotide variant.
Coding change: c.802G>A on transcript NM_130384.3 (MANE Select); coding-DNA position 802, G replaced by A.
Protein change: p.Gly268Arg; replaces glycine 268 with arginine.
Molecular consequence: missense variant. On other transcripts: non-coding transcript variant (1).
Genome position (GRCh38, 1-based): chr3:48,457,389, G>A. VCF-style: chr3-48457389-G-A. GRCh37 (hg19) VCF-style: chr3-48498789-G-A.
Other names: c.421G>A, p.Gly141Arg (NM_001271022.2); c.523G>A, p.Gly175Arg (NM_001271023.2); c.802G>A, p.Gly268Arg (NM_032166.4); short protein forms G268R, G141R, G175R.
Identifiers: ClinVar variation 3975738 (VCV003975738.1).

ClinVar aggregate classification (germline): Uncertain significance (1 of 4 stars; one submission).

Submission:

Ambry Genetics
Classification: Uncertain significance. Last evaluated: 2025-03-22. Review status: criteria provided, single submitter. Criteria: Ambry Variant Classification Scheme 2023. Collection method: clinical testing. Allele origin: germline.
Comment: The p.G268R variant (also known as c.802G>A), located in coding exon 5 of the ATRIP gene, results from a G to A substitution at nucleotide position 802. The glycine at codon 268 is replaced by arginine, an amino acid with dissimilar properties. This amino acid position is conserved. In addition, this alteration is predicted to be tolerated by in silico analysis. Based on the available evidence, the clinical significance of this variant remains unclear.